The following is an entry in ClinVar:

NM_016653.3(MAP3K20):c.1712G>A (p.Cys571Tyr)

Genes: MAP3K20 (mitogen-activated protein kinase kinase kinase 20; plus strand), MAP3K20-AS1 (MAP3K20 antisense RNA 1; minus strand). Cytogenetic location: 2q31.1.
Variant type: single nucleotide variant.
Coding change: c.1712G>A on transcript NM_016653.3 (MANE Select); coding-DNA position 1712, G replaced by A.
Protein change: p.Cys571Tyr; replaces cysteine 571 with tyrosine.
Molecular consequence: missense variant.
Genome position (GRCh38, 1-based): chr2:173,266,059, G>A. VCF-style: chr2-173266059-G-A. GRCh37 (hg19) VCF-style: chr2-174130787-G-A.
Other names: short protein forms C571Y.
Identifiers: ClinVar variation 1516998 (VCV001516998.3), dbSNP rs374432637, ClinGen allele CA1970950.
Genomic context (GRCh38, chr2:173,266,059, plus strand): 5'-CATGCAGCTTTAGTGTGGCTTAAAAGATGCTCATTTCCATTTCTCCCGCAGGTGCTGATT[G>A]CCAGTGGTTAGATACTCTGAGGATGCGGCAGATTGCATCCAACACTTCTTTACAGCGTTC-3'
Protein context (NP_057737.2, residues 561-581): PGSRSDSSAD[Cys571Tyr]QWLDTLRMRQ

ClinVar aggregate classification (germline): Uncertain significance (1 of 4 stars; one submission).

Allele frequency attached by ClinVar (database versions not stated): gnomAD 0.00001; TOPMed 0.00003; ExAC 0.00004; ESP Exome Variant Server 0.00008.

Submission:

Labcorp Genetics (formerly Invitae), Labcorp
Classification: Uncertain significance. Last evaluated: 2022-10-03. Review status: criteria provided, single submitter. Criteria: Invitae Variant Classification Sherloc (09022015). Collection method: clinical testing. Allele origin: germline.
Comment: This sequence change replaces cysteine, which is neutral and slightly polar, with tyrosine, which is neutral and polar, at codon 571 of the MAP3K20 protein (p.Cys571Tyr). This variant is not present in population databases (gnomAD no frequency). This variant has not been reported in the literature in individuals affected with MAP3K20-related conditions. ClinVar contains an entry for this variant (Variation ID: 1516998). Experimental studies and prediction algorithms are not available or were not evaluated, and the functional significance of this variant is currently unknown. In summary, the available evidence is currently insufficient to determine the role of this variant in disease. Therefore, it has been classified as a Variant of Uncertain Significance.